The following is an entry in ClinVar:

ClinVar aggregate classification (germline): Likely pathogenic. Review status: criteria provided, single submitter (1 of 4 stars). 2 submissions from 1 submitter: Likely pathogenic (2). Last evaluated 2020-08-03.

Conditions:
Arrhythmogenic right ventricular dysplasia 10. Also called: Arrhythmogenic Right Ventricular Dysplasia/Cardiomyopathy10; ARRHYTHMOGENIC RIGHT VENTRICULAR DYSPLASIA, FAMILIAL, 10; Arrhythmogenic right ventricular dysplasia/cardiomyopathy, type 10. Identifiers: MedGen C1857777, MONDO:0012434, OMIM 610193.
Intellectual disability. Also called: intellectual disabilities; Intellectual developmental disorder; Intellectual functioning disability. Identifiers: MedGen C3714756, MeSH D008607, MONDO:0001071, HP:0001249.

Submissions (2):

Institute of Human Genetics, University of Leipzig Medical Center
Classification: Likely pathogenic for Intellectual disability. Last evaluated: 2020-08-03. Review status: criteria provided, single submitter. Criteria: ACMG Guidelines, 2015. Collection method: clinical testing. Allele origin: unknown. Affected: yes.
Comment: Inheritance for this variant was unknown.

Institute of Human Genetics, University of Leipzig Medical Center
Classification: Likely pathogenic for Arrhythmogenic right ventricular dysplasia 10. Last evaluated: 2019-01-01. Review status: criteria provided, single submitter. Criteria: ACMG Guidelines, 2015. Collection method: clinical testing. Allele origin: unknown. Affected: yes.

NM_001943.5(DSG2):c.1332_1354del (p.Ser445_Glu446insTer)

Gene: DSG2 (desmoglein 2; plus strand). Cytogenetic location: 18q12.1.
Variant type: Deletion.
Coding change: c.1332_1354del on transcript NM_001943.5 (MANE Select); coding-DNA positions 1332 to 1354, 23 bases deleted (ATCTGAAATTAAACTTGCAAAAC).
Protein change: p.Ser445_Glu446insTer.
Molecular consequence: frameshift variant.
Genome position (GRCh38, 1-based): chr18:31,535,321-31,535,343, ATCTGAAATTAAACTTGCAAAAC deleted; deleting any 23 consecutive bases within chr18:31,535,319-31,535,343 gives the same sequence; the c. name uses the placement nearest the transcript's 3' end. VCF-style (leftmost placement, unchanged base first): chr18-31535318-CACATCTGAAATTAAACTTGCAAA-C. GRCh37 (hg19) VCF-style: chr18-29115281-CACATCTGAAATTAAACTTGCAAA-C.
Identifiers: ClinVar variation 977602 (VCV000977602.2), dbSNP rs2073222422, ClinGen allele CA1139666009.